The following is an entry in ClinVar:

ClinVar aggregate classification (germline): Conflicting classifications of pathogenicity. Review status: criteria provided, conflicting classifications (1 of 4 stars). 8 submissions from 8 submitters: Uncertain significance (1); Benign (4); Likely benign (2). 1 of the submissions does not count toward it. Last evaluated 2026-01-21.

Conditions:
Inborn genetic diseases. Identifiers: MedGen C0950123, MeSH D030342.
GRIN2A-related complex neurodevelopmental disorder. Also called: GRIN2A-related disorder; GRIN2A-related condition. Identifiers: MedGen CN379781, MONDO:1060139.
Landau-Kleffner syndrome (FESD). Also called: EPILEPSY, FOCAL, WITH SPEECH DISORDER AND WITH OR WITHOUT MENTAL RETARDATION; APHASIA, ACQUIRED, WITH EPILEPSY. Identifiers: Orphanet 1945, Orphanet 725, Orphanet 98818, MedGen C0282512, MONDO:0009509, OMIM 245570.

Allele frequency attached by ClinVar (database versions not stated): gnomAD exomes 0.00008 and 0.00024; ExAC 0.00030; 1000 Genomes Project 30x 0.00078; 1000 Genomes Project 0.00080; gnomAD 0.00098 and 0.00105; TOPMed 0.00114; ESP Exome Variant Server 0.00115.
gnomAD v4.1: 270 of 1,613,836 alleles (0.017%); highest among the groups gnomAD compares: African/African-American, 0.32%; 1 homozygote.

Submissions (8):

Labcorp Genetics (formerly Invitae), Labcorp
Classification: Likely benign for Landau-Kleffner syndrome. Last evaluated: 2026-01-21. Review status: criteria provided, single submitter. Criteria: Invitae Variant Classification Sherloc (09022015). Collection method: clinical testing. Allele origin: germline.

Mayo Clinic Laboratories, Mayo Clinic
Classification: Benign. Last evaluated: 2024-11-22. Review status: criteria provided, single submitter. Criteria: ACMG Guidelines, 2015. Collection method: clinical testing. Allele origin: germline. Observed: 1 variant allele.
Comment: BS1, BS2, BP4, BP5

CeGaT Center for Human Genetics Tuebingen
Classification: Likely benign. Last evaluated: 2023-08-01. Review status: criteria provided, single submitter. Criteria: CeGaT Center For Human Genetics Tuebingen Variant Classification Criteria Version 2. Collection method: clinical testing. Allele origin: germline. Affected: yes. Observed: 1 variant allele.
Comment: GRIN2A: PS4:Supporting, BS1

GeneDx
Classification: Benign. Last evaluated: 2019-08-02. Review status: criteria provided, single submitter. Criteria: GeneDx Variant Classification Process June 2021. Collection method: clinical testing. Allele origin: germline. Affected: yes.
Comment: This variant is associated with the following publications: (PMID: 25904555, 22833210, 26283219, 27839871)

Ambry Genetics
Classification: Benign for Inborn genetic diseases. Last evaluated: 2018-12-18. Review status: criteria provided, single submitter. Criteria: Ambry Variant Classification Scheme 2023. Collection method: clinical testing. Allele origin: germline.

Eurofins Ntd Llc (ga)
Classification: Uncertain significance. Last evaluated: 2017-10-12. Review status: criteria provided, single submitter. Criteria: EGL Classification Definitions 2015. Collection method: clinical testing. Allele origin: germline. Observed: 4 variant alleles, 4 heterozygotes.

Athena Diagnostics
Classification: Benign. Last evaluated: 2017-04-25. Review status: criteria provided, single submitter. Criteria: Athena Diagnostics Criteria. Collection method: clinical testing. Allele origin: germline.

PreventionGenetics, part of Exact Sciences
Classification: Likely benign for GRIN2A-related condition. Last evaluated: 2022-05-16. Review status: no assertion criteria provided. Collection method: clinical testing. Allele origin: germline. Not counted in ClinVar's aggregate classification.
Comment: This variant is classified as likely benign based on ACMG/AMP sequence variant interpretation guidelines (Richards et al. 2015 PMID: 25741868, with internal and published modifications).

Literature cited by the submitters: PubMed 26283219 (cited by Mayo Clinic Laboratories, Mayo Clinic and Ambry Genetics); PubMed 27839871 (cited by 3 submitters); PubMed 31807283 (cited by Mayo Clinic Laboratories, Mayo Clinic); PubMed 34426522 (cited by Mayo Clinic Laboratories, Mayo Clinic); PubMed 34720871 (cited by Mayo Clinic Laboratories, Mayo Clinic).

NM_001134407.3(GRIN2A):c.1354G>A (p.Val452Met)

Gene: GRIN2A (glutamate ionotropic receptor NMDA type subunit 2A; minus strand). Cytogenetic location: 16p13.2.
Variant type: single nucleotide variant.
Coding change: c.1354G>A on transcript NM_001134407.3 (MANE Select); coding-DNA position 1354, G replaced by A.
Protein change: p.Val452Met; replaces valine 452 with methionine.
Molecular consequence: missense variant.
Genome position (GRCh38, 1-based): chr16:9,841,079, C>T on the plus strand (G>A on the coding strand, the complement: GRIN2A is on the minus strand). VCF-style: chr16-9841079-C-T. GRCh37 (hg19) VCF-style: chr16-9934936-C-T.
Other names: p.V452M:GTG>ATG; c.1354G>A, p.Val452Met (NM_000833.5, NM_001134408.2); short protein forms V452M.
Identifiers: ClinVar variation 205649 (VCV000205649.46), dbSNP rs145956175, ClinGen allele CA314933.